The following is an entry in ClinVar:

ClinVar aggregate classification (germline): Uncertain significance (1 of 4 stars; one submission).

Conditions:
Hereditary cancer-predisposing syndrome. Also called: Neoplastic Syndromes, Hereditary; Tumor predisposition; Hereditary Cancer Syndrome; Hereditary neoplastic syndrome. Identifiers: Orphanet 140162, MedGen C0027672, MeSH D009386, MONDO:0015356.

gnomAD v4.1: 1 of 1,602,860 alleles (0.000062%); highest among the groups gnomAD compares: East Asian, 0.0022%; no homozygotes.

Submission:

Ambry Genetics
Classification: Uncertain significance for Hereditary cancer-predisposing syndrome. Last evaluated: 2025-02-14. Review status: criteria provided, single submitter. Criteria: Ambry Variant Classification Scheme 2023. Collection method: clinical testing. Allele origin: germline.
Comment: The c.7089+5G>C intronic variant results from a G to C substitution 5 nucleotides after coding exon 47 in the ATM gene. This nucleotide position is well conserved in available vertebrate species. In silico splice site analysis predicts that this alteration will not have any significant effect on splicing. Based on the available evidence, the clinical significance of this variant remains unclear.

NM_000051.4(ATM):c.7089+5G>C

Genes: C11orf65 (chromosome 11 open reading frame 65; minus strand), ATM (ATM serine/threonine kinase; plus strand). Cytogenetic location: 11q22.3.
Variant type: single nucleotide variant.
Coding change: c.7089+5G>C on transcript NM_000051.4 (MANE Select); 5 bases into the intron after coding-DNA position 7089, G replaced by C.
Molecular consequence: intron variant.
Genome position (GRCh38, 1-based): chr11:108,327,763, G>C. VCF-style: chr11-108327763-G-C. GRCh37 (hg19) VCF-style: chr11-108198490-G-C.
Other names: c.7089+5G>C (NM_001351834.2); c.641-18692C>G (NM_001330368.2); c.*38+7457C>G (NM_001351110.2).
Identifiers: ClinVar variation 3802647 (VCV003802647.1).